The following is an entry in ClinVar:

ClinVar aggregate classification (germline): Uncertain significance (1 of 4 stars; one submission).

Conditions:
Tuberous sclerosis 2 (TSC2). Identifiers: Orphanet 805, MedGen C1860707, MONDO:0013199, OMIM 613254.

Submission:

Labcorp Genetics (formerly Invitae), Labcorp
Classification: Uncertain significance for Tuberous sclerosis 2. Last evaluated: 2024-03-22. Review status: criteria provided, single submitter. Criteria: Invitae Variant Classification Sherloc (09022015). Collection method: clinical testing. Allele origin: germline.
Comment: This sequence change replaces glutamine, which is neutral and polar, with lysine, which is basic and polar, at codon 446 of the TSC2 protein (p.Gln446Lys). Information on the frequency of this variant in the gnomAD database is not available, as this variant may be reported differently in the database. This variant has not been reported in the literature in individuals affected with TSC2-related conditions. Experimental studies and prediction algorithms are not available or were not evaluated, and the functional significance of this variant is currently unknown. In summary, the available evidence is currently insufficient to determine the role of this variant in disease. Therefore, it has been classified as a Variant of Uncertain Significance.

NM_000548.5(TSC2):c.1335_1336delinsAA (p.Gln446Lys)

Gene: TSC2 (TSC complex subunit 2; plus strand). Cytogenetic location: 16p13.3.
Variant type: Indel.
Coding change: c.1335_1336delinsAA on transcript NM_000548.5 (MANE Select); coding-DNA positions 1335 to 1336, GC replaced by AA.
Protein change: p.Gln446Lys; replaces glutamine 446 with lysine.
Molecular consequence: missense variant. On other transcripts: non-coding transcript variant (5), 5 prime UTR variant (10).
Genome position (GRCh38, 1-based): chr16:2,062,574-2,062,575, GC replaced by AA. VCF-style: chr16-2062574-GC-AA. GRCh37 (hg19) VCF-style: chr16-2112575-GC-AA.
Other names: c.1335_1336delinsAA, p.Gln446Lys (NM_001077183.3, NM_001114382.3, NM_001363528.2 and 6 more transcripts); c.1224_1225delinsAA, p.Gln409Lys (NM_001318827.2, NM_001406670.1, NM_001406678.1); c.1188_1189delinsAA, p.Gln397Lys (NM_001318829.2, NM_001406675.1, NM_001406676.1 and 1 more transcripts); c.735_736delinsAA, p.Gln246Lys (NM_001318831.2, NM_001406680.1, NM_001406682.1 and 6 more transcripts); c.1368_1369delinsAA, p.Gln457Lys (NM_001318832.2); c.1425_1426delinsAA, p.Gln476Lys (NM_001406667.1, NM_001406668.1); c.1323_1324delinsAA, p.Gln442Lys (NM_001406671.1, NM_001406673.1); c.1278_1279delinsAA, p.Gln427Lys (NM_001406677.1); and 3 more; short protein forms Q409K, Q427K, Q442K, Q446K, Q397K, Q292K, Q246K, Q457K.
Identifiers: ClinVar variation 3647113 (VCV003647113.2).